The following is an entry in ClinVar:

NM_001148.6(ANK2):c.7999G>A (p.Glu2667Lys)

Gene: ANK2 (ankyrin 2; plus strand). Cytogenetic location: 4q26.
Variant type: single nucleotide variant.
Coding change: c.7999G>A on transcript NM_001148.6 (MANE Select); coding-DNA position 7999, G replaced by A.
Protein change: p.Glu2667Lys; replaces glutamic acid 2667 with lysine.
Molecular consequence: missense variant. On other transcripts: intron variant (68).
Genome position (GRCh38, 1-based): chr4:113,356,617, G>A. VCF-style: chr4-113356617-G-A. GRCh37 (hg19) VCF-style: chr4-114277773-G-A.
Other names: c.4328-4206G>A (NM_001354228.2, NM_001354258.2); c.4265-4206G>A (NM_001354245.2, NM_001354262.2, NM_001354275.2); c.4229-4206G>A (NM_001354268.2); c.4127-4206G>A (NM_001354273.2); c.4427-4206G>A (NM_020977.5); c.4484-4206G>A (NM_001386152.1); c.4505-4206G>A (NM_001354237.2); c.4406-4206G>A (NM_001354230.2); and 35 more; short protein forms E1467K, E2589K, E2667K, E2706K, E2714K.
Identifiers: ClinVar variation 3901530 (VCV003901530.2).

ClinVar aggregate classification (germline): Uncertain significance (1 of 4 stars; one submission).

Submission:

GeneDx
Classification: Uncertain significance. Last evaluated: 2026-09-29. Review status: criteria provided, single submitter. Criteria: GeneDx Variant Classification Process June 2021. Collection method: clinical testing. Allele origin: germline.
Comment: Identified in a cohort of patients with neurodevelopmental disorders (PMID: 33004838); Not observed at significant frequency in large population cohorts (gnomAD); Located in exon 38, which is reported as being expressed in a brain-specific transcript (PMID: 1830053, 18790697, 26109584); In silico analysis suggests that this missense variant does not alter protein structure/function; This variant is associated with the following publications: (PMID: 18790697, 1830053, 26109584, 33004838)